The following is an entry in ClinVar:

NM_001197104.2(KMT2A):c.6616C>T (p.Gln2206Ter)

Gene: KMT2A (lysine methyltransferase 2A; plus strand). Cytogenetic location: 11q23.3.
Variant type: single nucleotide variant.
Coding change: c.6616C>T on transcript NM_001197104.2 (MANE Select); coding-DNA position 6616, C replaced by T.
Protein change: p.Gln2206Ter; replaces glutamine 2206 with a stop codon.
Molecular consequence: nonsense.
Genome position (GRCh38, 1-based): chr11:118,502,508, C>T. VCF-style: chr11-118502508-C-T. GRCh37 (hg19) VCF-style: chr11-118373223-C-T.
Other names: c.6706C>T, p.Gln2236Ter (NM_001412597.1); c.6607C>T, p.Gln2203Ter (NM_005933.4); short protein forms Q2203*, Q2206*, Q2236*.
Identifiers: ClinVar variation 3062070 (VCV003062070.1), dbSNP rs2496989171, ClinGen allele CA382802419.

ClinVar aggregate classification (germline): Pathogenic (1 of 4 stars; one submission).

Conditions:
Wiedemann-Steiner syndrome (WDSTS). Also called: Growth deficiency and mental retardation with facial dysmorphism. Identifiers: Orphanet 319182, MedGen C1854630, MONDO:0011518, OMIM 605130.

Submission:

Illumina Laboratory Services, Illumina
Classification: Pathogenic for Wiedemann-Steiner syndrome. Last evaluated: 2018-06-08. Review status: criteria provided, single submitter. Criteria: ICSLVariantClassificationCriteria RUGD 01 April 2020. Collection method: clinical testing. Allele origin: unknown.
Comment: The KMT2A c.6616C>T p.(Gln2206Ter) nonsense variant is expected to result in the loss of normal protein function through either protein truncation or nonsense-mediated mRNA decay. To our knowledge, this variant has not been reported in the peer-reviewed literature, but is located in exon 27, which is noted to be a hotspot for pathogenic variants (Aggarwal et al. 2017). This variant is not observed in version 2.1.1 of the Genome Aggregation Database. Based on the available evidence the c.6616C>T p.(Gln2206Ter) variant is classified as pathogenic for Wiedemann-Steiner syndrome.